The following is an entry in ClinVar:

NM_002292.4(LAMB2):c.3583G>T (p.Gly1195Trp)

Gene: LAMB2 (laminin subunit beta 2; minus strand). Cytogenetic location: 3p21.31.
Variant type: single nucleotide variant.
Coding change: c.3583G>T on transcript NM_002292.4 (MANE Select); coding-DNA position 3583, G replaced by T.
Protein change: p.Gly1195Trp; replaces glycine 1195 with tryptophan.
Molecular consequence: missense variant.
Genome position (GRCh38, 1-based): chr3:49,123,942, C>A on the plus strand (G>T on the coding strand, the complement: LAMB2 is on the minus strand). VCF-style: chr3-49123942-C-A. GRCh37 (hg19) VCF-style: chr3-49161375-C-A.
Other names: short protein forms G1195W.
Identifiers: ClinVar variation 2198467 (VCV002198467.4), dbSNP rs137888590, ClinGen allele CA2394008.

ClinVar aggregate classification (germline): Uncertain significance (1 of 4 stars; one submission).

Conditions:
Pierson syndrome. Also called: MICROCORIA-CONGENITAL NEPHROTIC SYNDROME. Identifiers: Orphanet 2670, MedGen C1836876, MONDO:0012184, OMIM 609049.
LAMB2-related infantile-onset nephrotic syndrome. Also called: NEPHROTIC SYNDROME, TYPE 5, WITHOUT OCULAR ABNORMALITIES; NEPHROTIC SYNDROME, TYPE 5, WITH OCULAR ABNORMALITIES; Nephrotic Syndrome, type 5. Identifiers: Orphanet 306507, MedGen C3280113, MONDO:0013621, OMIM 614199.

gnomAD v4.1: 15 of 1,613,434 alleles (0.00093%); highest among the groups gnomAD compares: South Asian, 0.014%; no homozygotes.

Submission:

Labcorp Genetics (formerly Invitae), Labcorp
Classification: Uncertain significance for LAMB2-related infantile-onset nephrotic syndrome; Pierson syndrome. Last evaluated: 2022-06-11. Review status: criteria provided, single submitter. Criteria: Invitae Variant Classification Sherloc (09022015). Collection method: clinical testing. Allele origin: germline.
Comment: This missense change has been observed in individual(s) with clinical features of LAMB2-related conditions (PMID: 26108971). In summary, the available evidence is currently insufficient to determine the role of this variant in disease. Therefore, it has been classified as a Variant of Uncertain Significance. Algorithms developed to predict the effect of missense changes on protein structure and function (SIFT, PolyPhen-2, Align-GVGD) all suggest that this variant is likely to be disruptive. This variant is present in population databases (rs137888590, gnomAD 0.01%). This sequence change replaces glycine, which is neutral and non-polar, with tryptophan, which is neutral and slightly polar, at codon 1195 of the LAMB2 protein (p.Gly1195Trp).

Literature cited by the submitters: PubMed 26108971.